The following is an entry in ClinVar:

NM_002485.5(NBN):c.280G>C (p.Gly94Arg)

Gene: NBN (nibrin; minus strand). Cytogenetic location: 8q21.3.
Variant type: single nucleotide variant.
Coding change: c.280G>C on transcript NM_002485.5 (MANE Select); coding-DNA position 280, G replaced by C.
Protein change: p.Gly94Arg; replaces glycine 94 with arginine.
Molecular consequence: missense variant.
Genome position (GRCh38, 1-based): chr8:89,981,415, C>G on the plus strand (G>C on the coding strand, the complement: NBN is on the minus strand). VCF-style: chr8-89981415-C-G. GRCh37 (hg19) VCF-style: chr8-90993643-C-G.
Other names: c.34G>C, p.Gly12Arg (NM_001024688.3); short protein forms G94R, G12R.
Identifiers: ClinVar variation 834952 (VCV000834952.6), dbSNP rs1563580785, ClinGen allele CA371662416.
Genomic context (GRCh38, chr8:89,981,415, plus strand): 5'-TCAATTTTAAAATGTCTTACCTGAATTTACTTCCAAACACTCCAAAAGTAATACCATCCC[C>G]CGACTTCAAAGTTCGGGAAAAGCCATTCTGCATTTTTTCCTCATTAACAAAGGTACCATA-3'
Protein context (NP_002476.2, residues 84-104): QNGFSRTLKS[Gly94Arg]DGITFGVFGS

ClinVar aggregate classification (germline): Uncertain significance (1 of 4 stars; one submission).

Conditions:
Microcephaly, normal intelligence and immunodeficiency (NBS). Also called: Ataxia telangiectasia variant V1; Nijmegen breakage syndrome; Immunodeficiency, microcephaly with normal intelligence; IMMUNODEFICIENCY, MICROCEPHALY, AND CHROMOSOMAL INSTABILITY; SEEMANOVA SYNDROME II; BERLIN BREAKAGE SYNDROME. Identifiers: Orphanet 647, MedGen C0398791, MONDO:0009623, OMIM 251260.

Submission:

Labcorp Genetics (formerly Invitae), Labcorp
Classification: Uncertain significance for Microcephaly, normal intelligence and immunodeficiency. Last evaluated: 2021-08-31. Review status: criteria provided, single submitter. Criteria: Invitae Variant Classification Sherloc (09022015). Collection method: clinical testing. Allele origin: germline.
Comment: This sequence change replaces glycine with arginine at codon 94 of the NBN protein (p.Gly94Arg). The glycine residue is highly conserved and there is a moderate physicochemical difference between glycine and arginine. This variant is not present in population databases (ExAC no frequency). This missense change has been observed in individual(s) with clinical features of NBN-related conditions (PMID: 30287823). Algorithms developed to predict the effect of missense changes on protein structure and function are either unavailable or do not agree on the potential impact of this missense change (SIFT: "Deleterious"; PolyPhen-2: "Possibly Damaging"; Align-GVGD: "Class C0"). In summary, the available evidence is currently insufficient to determine the role of this variant in disease. Therefore, it has been classified as a Variant of Uncertain Significance.

Literature cited by the submitters: PubMed 30287823.